The following is an entry in ClinVar:

ClinVar aggregate classification (germline): Likely pathogenic (1 of 4 stars; one submission).

Conditions:
Telangiectasia, hereditary hemorrhagic, type 2 (HHT2). Also called: Telangiectasia, hereditary hemorrhagic, type II; ACVRL1-Related Hereditary Hemorrhagic Telangiectasia. Identifiers: Orphanet 774, MedGen C1838163, MONDO:0010880, OMIM 600376. Disease mechanism: loss of function.

Submission:

Laboratory of Medical Genetics, National & Kapodistrian University of Athens
Classification: Likely pathogenic for Telangiectasia, hereditary hemorrhagic, type 2. Last evaluated: 2021-10-01. Review status: criteria provided, single submitter. Criteria: ACMG Guidelines, 2015. Collection method: clinical testing. Allele origin: unknown. Affected: yes.
Comment: PM1, PM2, PP2, PP3

Literature cited by the submitters: PubMed 34008892.

NM_000020.3(ACVRL1):c.1198G>C (p.Ala400Pro)

Gene: ACVRL1 (activin A receptor like type 1; plus strand). Cytogenetic location: 12q13.13.
Variant type: single nucleotide variant.
Coding change: c.1198G>C on transcript NM_000020.3 (MANE Select); coding-DNA position 1198, G replaced by C.
Protein change: p.Ala400Pro; replaces alanine 400 with proline.
Molecular consequence: missense variant.
Genome position (GRCh38, 1-based): chr12:51,916,185, G>C. VCF-style: chr12-51916185-G-C. GRCh37 (hg19) VCF-style: chr12-52309969-G-C.
Other names: c.1198G>C, p.Ala400Pro (NM_001077401.2); short protein forms A400P.
Identifiers: ClinVar variation 1299513 (VCV001299513.1), dbSNP rs2139076978, ClinGen allele CA384902900.